The following is an entry in ClinVar:

NM_016824.5(ADD3):c.86A>G (p.Asn29Ser)

Gene: ADD3 (adducin 3; plus strand). Cytogenetic location: 10q25.2.
Variant type: single nucleotide variant.
Coding change: c.86A>G on transcript NM_016824.5 (MANE Select); coding-DNA position 86, A replaced by G.
Protein change: p.Asn29Ser; replaces asparagine 29 with serine.
Molecular consequence: missense variant. On other transcripts: 5 prime UTR variant (1).
Genome position (GRCh38, 1-based): chr10:110,100,739, A>G. VCF-style: chr10-110100739-A-G. GRCh37 (hg19) VCF-style: chr10-111860497-A-G.
Other names: c.-203A>G (NM_001320594.2); c.86A>G, p.Asn29Ser (NM_019903.5, NM_001121.4, NM_001320591.2 and 2 more transcripts); short protein forms N29S.
Identifiers: ClinVar variation 1355877 (VCV001355877.8), dbSNP rs150532955, ClinGen allele CA5686257.

ClinVar aggregate classification (germline): Uncertain significance (1 of 4 stars; one submission).

Allele frequency attached by ClinVar (database versions not stated): ExAC 0.00004; TOPMed 0.00004; gnomAD exomes 0.00005 and 0.00006; gnomAD 0.00007 and 0.00009; ESP Exome Variant Server 0.00008.
gnomAD v4.1: 97 of 1,613,938 alleles (0.006%); highest among the groups gnomAD compares: Non-Finnish European, 0.0072%; no homozygotes.

Submission:

Labcorp Genetics (formerly Invitae), Labcorp
Classification: Uncertain significance. Last evaluated: 2023-03-31. Review status: criteria provided, single submitter. Criteria: Invitae Variant Classification Sherloc (09022015). Collection method: clinical testing. Allele origin: germline.
Comment: In summary, the available evidence is currently insufficient to determine the role of this variant in disease. Therefore, it has been classified as a Variant of Uncertain Significance. Advanced modeling of protein sequence and biophysical properties (such as structural, functional, and spatial information, amino acid conservation, physicochemical variation, residue mobility, and thermodynamic stability) performed at Invitae indicates that this missense variant is not expected to disrupt ADD3 protein function. ClinVar contains an entry for this variant (Variation ID: 1355877). This variant has not been reported in the literature in individuals affected with ADD3-related conditions. This variant is present in population databases (rs150532955, gnomAD 0.009%). This sequence change replaces asparagine, which is neutral and polar, with serine, which is neutral and polar, at codon 29 of the ADD3 protein (p.Asn29Ser).